The following is an entry in ClinVar:

ClinVar aggregate classification (germline): Uncertain significance (0 of 4 stars; one submission).

Conditions:
CFTR-related disorder (CFTR-RD). Also called: CFTR-related condition; CFTR-related disorders. Identifiers: MedGen C5924204, MONDO:7770004.

Submission:

Genomics For Life
Classification: Uncertain significance for CFTR-related disorders. Last evaluated: 2019-12-09. Review status: no assertion criteria provided. Collection method: clinical testing. Allele origin: germline. Affected: yes. Observed: 1 variant allele.
Comment: The CFTR c.3388G>C; The CFTR c.3388G>C; (p.Gly1130Arg) variant is a novel variant not annotated in Clinvar, ExAC, 1000 Genomes, LOVD, dbSNP or the CFTR database. The CFTR (p.Gly1130) amino acid is highly conserved across species and the CFTR c.3388G>C; (p.Gly1130Arg) change replaces Glycine, the simplest and a polar amino acid, with Arginine, a basic amino acid. A CFTR c.3389G>C; (p.Gly1130Ala) variant is annotated in Clinvar as a variant of uncertain significance. It was identified in one patient with congenital bilateral absence of the vas deferens (CBAVD) as a compound heterozygote with the CFTR c.3454G>C; (p.Asp1152His) variant which is a variant of varying clinical consequence (Dayangac, Erdem et al. 2004). A CFTR c.3388G>A; (p.Gly1130Ser) variant is annotated in GnomAD_exome (1/251080) and TOPMED (1/125568), but is not annotated in Clinvar. In silico analysis of the CFTR c.3388G>C; (p.Gly1130Arg) variant predicts it to be Deleterious in SIFT (0.0), Damaging in PolyPhen2 (1.0) and Disease Causing in Mutation Taster (Grantham Score 125.0) (Schwarz, Cooper et al. 2014) with loss of the ABC transmembrane type-1 2 domain function. Studies suggest that four transmembrane domains 5, 6, 11, 12 make the greatest contribution to forming the pore of the CFTR chloride channel (Cui, Song et al. 2012). Structural modelling suggests that the CFTR (p.Gly1130) amino acid is involved in the TM12 domain of the CFTR pore (Corradi, Vergani et al. 2015). Based on the ACMG Guidelines (Richards, Aziz et al. 2015) the CFTR c.3388G>C; (p.Gly1130Arg) variant is classified as a Variant of Uncertain Significance.

NM_000492.4(CFTR):c.3388G>C (p.Gly1130Arg)

Genes: CFTR (CF transmembrane conductance regulator; plus strand), CFTR-AS2 (CFTR antisense RNA 2; minus strand). Cytogenetic location: 7q31.2.
Variant type: single nucleotide variant.
Coding change: c.3388G>C on transcript NM_000492.4 (MANE Select); coding-DNA position 3388, G replaced by C.
Protein change: p.Gly1130Arg; replaces glycine 1130 with arginine.
Molecular consequence: missense variant.
Genome position (GRCh38, 1-based): chr7:117,614,633, G>C. VCF-style: chr7-117614633-G-C. GRCh37 (hg19) VCF-style: chr7-117254687-G-C.
Other names: short protein forms G1130R.
Identifiers: ClinVar variation 973505 (VCV000973505.2), dbSNP rs1005269197, ClinGen allele CA368993350.
Genomic context (GRCh38, chr7:117,614,633, plus strand): 5'-AATAACATGAGGTTCATTTACGTCTTTTGTGCATCTATAGGAGAAGGAGAAGGAAGAGTT[G>C]GTATTATCCTGACTTTAGCCATGAATATCATGAGTACATTGCAGTGGGCTGTAAACTCCA-3'
Protein context (NP_000483.3, residues 1120-1140): LTTGEGEGRV[Gly1130Arg]IILTLAMNIM